The following is an entry in ClinVar:

ClinVar aggregate classification (germline): Uncertain significance (1 of 4 stars; one submission).

Conditions:
Brugada syndrome 8 (BRGDA8). Identifiers: Orphanet 130, MedGen C2751083, MONDO:0013148, OMIM 613123.

Submission:

Labcorp Genetics (formerly Invitae), Labcorp
Classification: Uncertain significance for Brugada syndrome 8. Last evaluated: 2024-12-04. Review status: criteria provided, single submitter. Criteria: Invitae Variant Classification Sherloc (09022015). Collection method: clinical testing. Allele origin: germline.
Comment: This sequence change replaces glycine, which is neutral and non-polar, with arginine, which is basic and polar, at codon 1177 of the HCN4 protein (p.Gly1177Arg). This variant is not present in population databases (gnomAD no frequency). This variant has not been reported in the literature in individuals affected with HCN4-related conditions. ClinVar contains an entry for this variant (Variation ID: 1380190). Invitae Evidence Modeling of protein sequence and biophysical properties (such as structural, functional, and spatial information, amino acid conservation, physicochemical variation, residue mobility, and thermodynamic stability) indicates that this missense variant is not expected to disrupt HCN4 protein function with a negative predictive value of 95%. In summary, the available evidence is currently insufficient to determine the role of this variant in disease. Therefore, it has been classified as a Variant of Uncertain Significance.

NM_005477.3(HCN4):c.3529G>A (p.Gly1177Arg)

Gene: HCN4 (hyperpolarization activated cyclic nucleotide gated potassium channel 4; minus strand). Cytogenetic location: 15q24.1.
Variant type: single nucleotide variant.
Coding change: c.3529G>A on transcript NM_005477.3 (MANE Select); coding-DNA position 3529, G replaced by A.
Protein change: p.Gly1177Arg; replaces glycine 1177 with arginine.
Molecular consequence: missense variant.
Genome position (GRCh38, 1-based): chr15:73,322,564, C>T on the plus strand (G>A on the coding strand, the complement: HCN4 is on the minus strand). VCF-style: chr15-73322564-C-T. GRCh37 (hg19) VCF-style: chr15-73614905-C-T.
Other names: short protein forms G1177R.
Identifiers: ClinVar variation 1380190 (VCV001380190.6), dbSNP rs2151213719, ClinGen allele CA393085000.